The following is an entry in ClinVar:

ClinVar aggregate classification (germline): Pathogenic (1 of 4 stars; one submission).

Conditions:
Immunodeficiency 36 with lymphoproliferation. Also called: ACTIVATED PI3K-DELTA SYNDROME 2; Immunodeficiency 36; Activated PI3K Delta Syndrome Type 2 (APDS2). Identifiers: Orphanet 397596, Orphanet 693681, MedGen C4014934, MONDO:0014453, OMIM 616005.
SHORT syndrome. Also called: LIPODYSTROPHY, PARTIAL, WITH RIEGER ANOMALY AND SHORT STATURE; PIK3R1-Related SHORT Syndrome; SHORT STATURE, HYPEREXTENSIBILITY, HERNIA, OCULAR DEPRESSION, RIEGER ANOMALY, AND TEETHING DELAY. Identifiers: Orphanet 3163, MedGen C0878684, MONDO:0010026, OMIM 269880.
Agammaglobulinemia 7, autosomal recessive (AGM7). Also called: AGAMMAGLOBULINEMIA, AUTOSOMAL RECESSIVE, DUE TO PIK3R1 DEFECT. Identifiers: MedGen C3554689, MONDO:0014083, OMIM 615214.

Submission:

Labcorp Genetics (formerly Invitae), Labcorp
Classification: Pathogenic for SHORT syndrome; Immunodeficiency 36 with lymphoproliferation; Agammaglobulinemia 7, autosomal recessive. Last evaluated: 2022-05-07. Review status: criteria provided, single submitter. Criteria: Invitae Variant Classification Sherloc (09022015). Collection method: clinical testing. Allele origin: germline.
Comment: For these reasons, this variant has been classified as Pathogenic. This variant has not been reported in the literature in individuals affected with PIK3R1-related conditions. This variant is not present in population databases (gnomAD no frequency). This sequence change creates a premature translational stop signal (p.Tyr150*) in the PIK3R1 gene. It is expected to result in an absent or disrupted protein product. Loss-of-function variants in PIK3R1 are known to be pathogenic (PMID: 22351933, 25133428). Algorithms developed to predict the effect of sequence changes on RNA splicing suggest that this variant may create or strengthen a splice site.

Literature cited by the submitters: PubMed 22351933; PubMed 25133428.

NM_181523.3(PIK3R1):c.450C>G (p.Tyr150Ter)

Gene: PIK3R1 (phosphoinositide-3-kinase regulatory subunit 1; plus strand). Cytogenetic location: 5q13.1.
Variant type: single nucleotide variant.
Coding change: c.450C>G on transcript NM_181523.3 (MANE Select); coding-DNA position 450, C replaced by G.
Protein change: p.Tyr150Ter; replaces tyrosine 150 with a stop codon.
Molecular consequence: nonsense.
Genome position (GRCh38, 1-based): chr5:68,273,961, C>G. VCF-style: chr5-68273961-C-G. GRCh37 (hg19) VCF-style: chr5-67569789-C-G.
Other names: short protein forms Y150*.
Identifiers: ClinVar variation 1452339 (VCV001452339.6), dbSNP rs1339790364, ClinGen allele CA359872930.